The following is an entry in ClinVar:

ClinVar aggregate classification (germline): Likely pathogenic (1 of 4 stars; one submission).

Submission:

Labcorp Genetics (formerly Invitae), Labcorp
Classification: Likely pathogenic. Last evaluated: 2023-11-27. Review status: criteria provided, single submitter. Criteria: Invitae Variant Classification Sherloc (09022015). Collection method: clinical testing. Allele origin: germline.
Comment: This variant results in the deletion of part of exon 10 (c.1792_1808+6del) of the MUT gene. It is expected to disrupt RNA splicing. Variants that disrupt the donor or acceptor splice site typically lead to a loss of protein function (PMID: 16199547), and loss-of-function variants in MUT are known to be pathogenic (PMID: 15781192). This variant is not present in population databases (gnomAD no frequency). This variant has not been reported in the literature in individuals affected with MUT-related conditions. ClinVar contains an entry for this variant (Variation ID: 1066723). In summary, the currently available evidence indicates that the variant is pathogenic, but additional data are needed to prove that conclusively. Therefore, this variant has been classified as Likely Pathogenic.

Literature cited by the submitters: PubMed 16199547; PubMed 15781192.

NM_000255.4(MMUT):c.1792_1808+6del

Gene: MMUT (methylmalonyl-CoA mutase; minus strand). Cytogenetic location: 6p12.3.
Variant type: Deletion.
Coding change: c.1792_1808+6del on transcript NM_000255.4 (MANE Select); coding-DNA position 1792 through 6 bases into the intron after coding-DNA position 1808, 23 bases deleted (ACATCTGCTATCAAGAGGTAATA).
Molecular consequence: splice donor variant.
Genome position (GRCh38, 1-based): chr6:49,441,834-49,441,856, TATTACCTCTTGATAGCAGATGT deleted on the plus strand (ACATCTGCTATCAAGAGGTAATA on the coding strand, the reverse complement: MMUT is on the minus strand); deleting any 23 consecutive bases within chr6:49,441,834-49,441,859 gives the same sequence; the c. name uses the placement nearest the transcript's 3' end. VCF-style (leftmost placement, unchanged base first): chr6-49441833-ATATTACCTCTTGATAGCAGATGT-A. GRCh37 (hg19) VCF-style: chr6-49409546-ATATTACCTCTTGATAGCAGATGT-A.
Identifiers: ClinVar variation 1066723 (VCV001066723.7), dbSNP rs2127415155, ClinGen allele CA2499218325.